The following is an entry in ClinVar:

NM_002474.3(MYH11):c.934A>T (p.Asn312Tyr)

Gene: MYH11 (myosin heavy chain 11; minus strand). Cytogenetic location: 16p13.11.
Variant type: single nucleotide variant.
Coding change: c.934A>T on transcript NM_002474.3 (MANE Select); coding-DNA position 934, A replaced by T.
Protein change: p.Asn312Tyr; replaces asparagine 312 with tyrosine.
Molecular consequence: missense variant.
Genome position (GRCh38, 1-based): chr16:15,771,668, T>A on the plus strand (A>T on the coding strand, the complement: MYH11 is on the minus strand). VCF-style: chr16-15771668-T-A. GRCh37 (hg19) VCF-style: chr16-15865525-T-A.
Other names: c.955A>T, p.Asn319Tyr (NM_001040113.2, NM_001040114.2); c.934A>T, p.Asn312Tyr (NM_022844.3); short protein forms N312Y, N319Y.
Identifiers: ClinVar variation 4536198 (VCV004536198.1).

ClinVar aggregate classification (germline): Uncertain significance (1 of 4 stars; one submission).

Submission:

GeneDx
Classification: Uncertain significance. Last evaluated: 2025-06-06. Review status: criteria provided, single submitter. Criteria: GeneDx Variant Classification Process June 2021. Collection method: clinical testing. Allele origin: germline. Affected: yes.
Comment: Not observed at significant frequency in large population cohorts (gnomAD); In silico analysis supports that this missense variant has a deleterious effect on protein structure/function; Has not been previously published as pathogenic or benign to our knowledge